The following is an entry in ClinVar:

ClinVar aggregate classification (germline): Uncertain significance. Review status: criteria provided, single submitter (1 of 4 stars). 2 submissions from 2 submitters: Uncertain significance (1). 1 of the submissions does not count toward it. Last evaluated 2022-05-13.

Conditions:
Cohen syndrome (COH1). Also called: PEPPER SYNDROME; Cutis verticis gyrata, retinitis pigmentosa, and sensorineural deafness. Identifiers: Orphanet 193, MedGen C0265223, MONDO:0008999, OMIM 216550.
VPS13B-related disorder. Also called: VPS13B-related condition.

Allele frequency attached by ClinVar (database versions not stated): TOPMed below 0.00001; gnomAD 0.00001.
gnomAD v4.1: 1 of 1,613,762 alleles (0.000062%); highest among the groups gnomAD compares: African/African-American, 0.0013%; no homozygotes.

Submissions (2):

Labcorp Genetics (formerly Invitae), Labcorp
Classification: Uncertain significance for Cohen syndrome. Last evaluated: 2022-05-13. Review status: criteria provided, single submitter. Criteria: Invitae Variant Classification Sherloc (09022015). Collection method: clinical testing. Allele origin: germline.
Comment: This sequence change replaces leucine, which is neutral and non-polar, with proline, which is neutral and non-polar, at codon 3046 of the VPS13B protein (p.Leu3046Pro). This variant is not present in population databases (gnomAD no frequency). This variant has not been reported in the literature in individuals affected with VPS13B-related conditions. Algorithms developed to predict the effect of missense changes on protein structure and function are either unavailable or do not agree on the potential impact of this missense change (SIFT: "Not Available"; PolyPhen-2: "Possibly Damaging"; Align-GVGD: "Not Available"). In summary, the available evidence is currently insufficient to determine the role of this variant in disease. Therefore, it has been classified as a Variant of Uncertain Significance.

PreventionGenetics, part of Exact Sciences
Classification: Uncertain significance for VPS13B-related condition. Last evaluated: 2024-07-15. Review status: no assertion criteria provided. Collection method: clinical testing. Allele origin: germline. Not counted in ClinVar's aggregate classification.
Comment: The VPS13B c.9062T>C variant is predicted to result in the amino acid substitution p.Leu3021Pro. To our knowledge, this variant has not been reported in the literature or in a large population database, indicating this variant is rare. At this time, the clinical significance of this variant is uncertain due to the absence of conclusive functional and genetic evidence.

NM_152564.5(VPS13B):c.9062T>C (p.Leu3021Pro)

Gene: VPS13B (vacuolar protein sorting 13 homolog B; plus strand). Cytogenetic location: 8q22.2.
Variant type: single nucleotide variant.
Coding change: c.9062T>C on transcript NM_152564.5 (MANE Select); coding-DNA position 9062, T replaced by C.
Protein change: p.Leu3021Pro; replaces leucine 3021 with proline.
Molecular consequence: missense variant.
Genome position (GRCh38, 1-based): chr8:99,821,361, T>C. VCF-style: chr8-99821361-T-C. GRCh37 (hg19) VCF-style: chr8-100833589-T-C.
Other names: c.9137T>C, p.Leu3046Pro (NM_017890.5); short protein forms L3021P, L3046P.
Identifiers: ClinVar variation 2154213 (VCV002154213.2), dbSNP rs1438344336, ClinGen allele CA371778308.